The following is an entry in ClinVar:

NM_000400.4(ERCC2):c.1874A>G (p.Tyr625Cys)

Gene: ERCC2 (ERCC excision repair 2, TFIIH core complex helicase subunit; minus strand). Cytogenetic location: 19q13.32.
Variant type: single nucleotide variant.
Coding change: c.1874A>G on transcript NM_000400.4 (MANE Select); coding-DNA position 1874, A replaced by G.
Protein change: p.Tyr625Cys; replaces tyrosine 625 with cysteine.
Molecular consequence: missense variant.
Genome position (GRCh38, 1-based): chr19:45,352,774, T>C on the plus strand (A>G on the coding strand, the complement: ERCC2 is on the minus strand). VCF-style: chr19-45352774-T-C. GRCh37 (hg19) VCF-style: chr19-45856032-T-C.
Other names: short protein forms Y625C.
Identifiers: ClinVar variation 1781742 (VCV001781742.3), dbSNP rs2514000157, ClinGen allele CA406363788.

ClinVar aggregate classification (germline): Uncertain significance (1 of 4 stars; one submission).

Conditions:
Inborn genetic diseases. Identifiers: MedGen C0950123, MeSH D030342.

Allele frequency attached by ClinVar (database versions not stated): gnomAD exomes 0.00001.
gnomAD v4.1: 9 of 1,613,420 alleles (0.00056%); highest among the groups gnomAD compares: Non-Finnish European, 0.00076%; no homozygotes.

Submission:

Ambry Genetics
Classification: Uncertain significance for Inborn genetic diseases. Last evaluated: 2023-09-12. Review status: criteria provided, single submitter. Criteria: Ambry Variant Classification Scheme 2023. Collection method: clinical testing. Allele origin: germline.
Comment: The p.Y625C variant (also known as c.1874A>G), located in coding exon 20 of the ERCC2 gene, results from an A to G substitution at nucleotide position 1874. The tyrosine at codon 625 is replaced by cysteine, an amino acid with highly dissimilar properties. This amino acid position is conserved. In addition, this alteration is predicted to be deleterious by in silico analysis. Since supporting evidence is limited at this time, the clinical significance of this alteration remains unclear.